The following is an entry in ClinVar:

NM_001351132.2(PEX5):c.909T>C (p.Ala303=)

Gene: PEX5 (peroxisomal biogenesis factor 5; plus strand). Cytogenetic location: 12p13.31.
Variant type: single nucleotide variant.
Coding change: c.909T>C on transcript NM_001351132.2 (MANE Select); coding-DNA position 909, T replaced by C.
Protein change: p.Ala303=; no amino-acid change (alanine 303 retained).
Molecular consequence: synonymous variant.
Genome position (GRCh38, 1-based): chr12:7,203,494, T>C. VCF-style: chr12-7203494-T-C. GRCh37 (hg19) VCF-style: chr12-7356090-T-C.
Other names: c.885T>C, p.Ala295= (NM_000319.5); c.954T>C, p.Ala318= (NM_001131023.2); c.798T>C, p.Ala266= (NM_001131024.2, NM_001351124.3, NM_001351126.2 and 7 more transcripts); c.909T>C, p.Ala303= (NM_001131025.2, NM_001131026.2, NM_001300789.3 and 5 more transcripts); c.843T>C, p.Ala281= (NM_001351135.3, NM_001351138.2); c.774T>C, p.Ala258= (NM_001351139.2, NM_001351140.2, NM_001374649.2).
Identifiers: ClinVar variation 310423 (VCV000310423.11), dbSNP rs376649488, ClinGen allele CA6426311.

ClinVar aggregate classification (germline): Conflicting classifications of pathogenicity. Review status: criteria provided, conflicting classifications (1 of 4 stars). 4 submissions from 4 submitters: Uncertain significance (1); Likely benign (3). Last evaluated 2026-09-04.

Conditions:
PEX5-related disorder. Also called: PEX5-Related Disorders; PEX5-related condition.
Peroxisome biogenesis disorder 2B (PBD2B). Identifiers: Orphanet 44, MedGen C3550234, MONDO:0008736, OMIM 202370.
Peroxisome biogenesis disorder 2A (Zellweger) (PBD2A). Also called: Cerebrohepatorenal syndrome, variant types. Identifiers: Orphanet 912, MedGen C3550273, MONDO:0008954, OMIM 214110.

Allele frequency attached by ClinVar (database versions not stated): TOPMed below 0.00001; gnomAD exomes 0.00001 and 0.00002; gnomAD 0.00002 and 0.00003; ExAC 0.00003; 1000 Genomes Project 30x 0.00016; 1000 Genomes Project 0.00020.
gnomAD v4.1: 19 of 1,613,966 alleles (0.0012%); highest among the groups gnomAD compares: East Asian, 0.031%; no homozygotes.

Submissions (4):

PreventionGenetics, part of Exact Sciences
Classification: Likely benign for PEX5-related condition. Last evaluated: 2026-09-04. Review status: criteria provided, single submitter. Criteria: ACMG Guidelines, 2015. Collection method: clinical testing. Allele origin: germline.
Comment: This variant is classified as likely benign based on ACMG/AMP sequence variant interpretation guidelines (Richards et al. 2015 PMID: 25741868, with internal and published modifications).

Labcorp Genetics (formerly Invitae), Labcorp
Classification: Likely benign for Peroxisome biogenesis disorder 2B. Last evaluated: 2026-02-02. Review status: criteria provided, single submitter. Criteria: Invitae Variant Classification Sherloc (09022015). Collection method: clinical testing. Allele origin: germline.

Blueprint Genetics
Classification: Likely benign. Last evaluated: 2024-04-10. Review status: criteria provided, single submitter. Criteria: ACMG Guidelines, 2015. Collection method: clinical testing. Allele origin: germline.

Illumina Laboratory Services, Illumina
Classification: Uncertain significance for Peroxisome biogenesis disorder 2A (Zellweger). Last evaluated: 2018-01-13. Review status: criteria provided, single submitter. Criteria: ICSL Variant Classification Criteria 13 December 2019. Collection method: clinical testing. Allele origin: germline.